The following is an entry in ClinVar:

NM_003659.4(AGPS):c.703A>G (p.Ile235Val)

Gene: AGPS (alkylglycerone phosphate synthase; plus strand). Cytogenetic location: 2q31.2.
Variant type: single nucleotide variant.
Coding change: c.703A>G on transcript NM_003659.4 (MANE Select); coding-DNA position 703, A replaced by G.
Protein change: p.Ile235Val; replaces isoleucine 235 with valine.
Molecular consequence: missense variant.
Genome position (GRCh38, 1-based): chr2:177,441,030, A>G. VCF-style: chr2-177441030-A-G. GRCh37 (hg19) VCF-style: chr2-178305758-A-G.
Other names: short protein forms I235V.
Identifiers: ClinVar variation 1420752 (VCV001420752.5), dbSNP rs1405755703, ClinGen allele CA349702949.

ClinVar aggregate classification (germline): Uncertain significance (1 of 4 stars; one submission).

Allele frequency attached by ClinVar (database versions not stated): gnomAD 0.00001; gnomAD exomes 0.00001; TOPMed 0.00001.
gnomAD v4.1: 13 of 1,610,208 alleles (0.00081%); highest among the groups gnomAD compares: South Asian, 0.0022%; no homozygotes.

Submission:

Labcorp Genetics (formerly Invitae), Labcorp
Classification: Uncertain significance. Last evaluated: 2021-08-14. Review status: criteria provided, single submitter. Criteria: Invitae Variant Classification Sherloc (09022015). Collection method: clinical testing. Allele origin: germline.
Comment: This sequence change replaces isoleucine with valine at codon 235 of the AGPS protein (p.Ile235Val). The isoleucine residue is moderately conserved and there is a small physicochemical difference between isoleucine and valine. This variant is not present in population databases (ExAC no frequency). This variant has not been reported in the literature in individuals affected with AGPS-related conditions. Algorithms developed to predict the effect of missense changes on protein structure and function (SIFT, PolyPhen-2, Align-GVGD) all suggest that this variant is likely to be tolerated. Algorithms developed to predict the effect of sequence changes on RNA splicing suggest that this variant may create or strengthen a splice site. In summary, the available evidence is currently insufficient to determine the role of this variant in disease. Therefore, it has been classified as a Variant of Uncertain Significance.